The following is an entry in ClinVar:

NM_153700.2(STRC):c.5102G>T (p.Ser1701Ile)

Gene: STRC (stereocilin; minus strand). Cytogenetic location: 15q15.3.
Variant type: single nucleotide variant.
Coding change: c.5102G>T on transcript NM_153700.2 (MANE Select); coding-DNA position 5102, G replaced by T.
Protein change: p.Ser1701Ile; replaces serine 1701 with isoleucine.
Molecular consequence: missense variant.
Genome position (GRCh38, 1-based): chr15:43,600,097, C>A on the plus strand (G>T on the coding strand, the complement: STRC is on the minus strand). VCF-style: chr15-43600097-C-A. GRCh37 (hg19) VCF-style: chr15-43892295-C-A.
Other names: short protein forms S1701I.
Identifiers: ClinVar variation 4683144 (VCV004683144.1).

ClinVar aggregate classification (germline): Uncertain significance (1 of 4 stars; one submission).

Conditions:
Monogenic hearing loss.

Submission:

Genetics Laboratory, Great Ormond Street Hospital NHS Foundation Trust, North Thames Genomic Laboratory Hub
Classification: Uncertain significance for Monogenic hearing loss. Last evaluated: 2025-11-12. Review status: criteria provided, single submitter. Criteria: ACGS Best Practice Guidelines for Variant Classification in Rare Disease 2024 v1.2. Collection method: clinical testing. Allele origin: germline. Affected: yes.
Comment: PM2_moderate, PP3_supporting, PM3_moderate